The following is an entry in ClinVar:

NC_000011.9:g.(?_36614125)_(36615728_?)del

Gene: RAG2 (recombination activating 2; minus strand). Cytogenetic location: 11p12.
Variant type: Deletion.
Identifiers: ClinVar variation 1069162 (VCV001069162.6).

ClinVar aggregate classification (germline): Pathogenic (1 of 4 stars; one submission).

Conditions:
Combined immunodeficiency with skin granulomas. Identifiers: Orphanet 157949, MedGen C2673536, MONDO:0009306, OMIM 233650.
Severe combined immunodeficiency, autosomal recessive, T cell-negative, B cell-negative, NK cell-positive. Also called: SCID, T CELL-NEGATIVE, B CELL-NEGATIVE, NK CELL-POSITIVE; SCID, AR, T-cell negative, B-cell negative, NK cell-positive; Severe combined immunodeficiency due to complete RAG1/2 deficiency. Identifiers: Orphanet 331206, MedGen C1832322, MONDO:0011086, OMIM 601457.

Submission:

Labcorp Genetics (formerly Invitae), Labcorp
Classification: Pathogenic for Combined immunodeficiency with skin granulomas; Severe combined immunodeficiency, autosomal recessive, T cell-negative, B cell-negative, NK cell-positive. Last evaluated: 2021-08-04. Review status: criteria provided, single submitter. Criteria: Invitae Variant Classification Sherloc (09022015). Collection method: clinical testing. Allele origin: germline.
Comment: A gross deletion of the genomic region encompassing the full coding sequence of the RAG2 gene has been identified. Loss-of-function variants in RAG2 are known to be pathogenic (PMID: 2618670, 21184155). The boundaries of this event are unknown as they extend beyond the assayed region for this gene and therefore may encompass additional genes. Isolated whole-gene deletions of RAG2 have not been reported in the literature. However, larger copy number events that include this gene have been reported (PMID: 8810255, 25739914). For these reasons, this variant has been classified as Pathogenic.

Literature cited by the submitters: PubMed 2618670; PubMed 21184155; PubMed 8810255; PubMed 25739914.